The following is an entry in ClinVar:

ClinVar aggregate classification (germline): Uncertain significance (1 of 4 stars; one submission).

Conditions:
Autosomal dominant childhood-onset proximal spinal muscular atrophy with contractures (SMALED2A). Also called: Spinal muscular atrophy, lower extremity-predominant, 2A, autosomal dominant; SPINAL MUSCULAR ATROPHY, LOWER EXTREMITY-PREDOMINANT, 2A, CHILDHOOD ONSET, AUTOSOMAL DOMINANT. Identifiers: Orphanet 363447, Orphanet 363454, MedGen C4747715, MONDO:0014121, OMIM 615290.

Submission:

Labcorp Genetics (formerly Invitae), Labcorp
Classification: Uncertain significance for Autosomal dominant childhood-onset proximal spinal muscular atrophy with contractures. Last evaluated: 2022-10-08. Review status: criteria provided, single submitter. Criteria: Invitae Variant Classification Sherloc (09022015). Collection method: clinical testing. Allele origin: germline.
Comment: This sequence change replaces threonine, which is neutral and polar, with lysine, which is basic and polar, at codon 365 of the BICD2 protein (p.Thr365Lys). In summary, the available evidence is currently insufficient to determine the role of this variant in disease. Therefore, it has been classified as a Variant of Uncertain Significance. Advanced modeling of protein sequence and biophysical properties (such as structural, functional, and spatial information, amino acid conservation, physicochemical variation, residue mobility, and thermodynamic stability) performed at Invitae indicates that this missense variant is not expected to disrupt BICD2 protein function. This variant has not been reported in the literature in individuals affected with BICD2-related conditions. This variant is not present in population databases (gnomAD no frequency).

NM_001003800.2(BICD2):c.1094C>A (p.Thr365Lys)

Gene: BICD2 (BICD cargo adaptor 2; minus strand). Cytogenetic location: 9q22.31.
Variant type: single nucleotide variant.
Coding change: c.1094C>A on transcript NM_001003800.2 (MANE Select); coding-DNA position 1094, C replaced by A.
Protein change: p.Thr365Lys; replaces threonine 365 with lysine.
Molecular consequence: missense variant.
Genome position (GRCh38, 1-based): chr9:92,719,551, G>T on the plus strand (C>A on the coding strand, the complement: BICD2 is on the minus strand). VCF-style: chr9-92719551-G-T. GRCh37 (hg19) VCF-style: chr9-95481833-G-T.
Other names: c.1094C>A, p.Thr365Lys (NM_015250.4); short protein forms T365K.
Identifiers: ClinVar variation 1971399 (VCV001971399.5), dbSNP rs374704553, ClinGen allele CA374040817.